The following is an entry in ClinVar:

NM_001375524.1(TRRAP):c.4596G>A (p.Pro1532=)

Gene: TRRAP (transformation/transcription domain associated protein; plus strand). Cytogenetic location: 7q22.1.
Variant type: single nucleotide variant.
Coding change: c.4596G>A on transcript NM_001375524.1 (MANE Select); coding-DNA position 4596, G replaced by A.
Protein change: p.Pro1532=; no amino-acid change (proline 1532 retained).
Molecular consequence: synonymous variant.
Genome position (GRCh38, 1-based): chr7:98,948,268, G>A. VCF-style: chr7-98948268-G-A. GRCh37 (hg19) VCF-style: chr7-98545891-G-A.
Other names: c.4575G>A, p.Pro1525= (NM_001244580.2); c.4521G>A, p.Pro1507= (NM_003496.4).
Identifiers: ClinVar variation 1598582 (VCV001598582.32), dbSNP rs201694414, ClinGen allele CA4360322.

ClinVar aggregate classification (germline): Benign. Review status: criteria provided, multiple submitters, no conflicts (2 of 4 stars). 2 submissions from 2 submitters: Benign (2). Last evaluated 2025-12-13.

Allele frequency attached by ClinVar (database versions not stated): gnomAD 0.00006 and 0.00044; TOPMed 0.00011; ESP Exome Variant Server 0.00015; gnomAD exomes 0.00170; ExAC 0.00197; 1000 Genomes Project 30x 0.00281; 1000 Genomes Project 0.00339.
gnomAD v4.1: 1,319 of 1,614,106 alleles (0.082%); highest among the groups gnomAD compares: South Asian, 1.3%; 24 homozygotes.

Submissions (2):

Labcorp Genetics (formerly Invitae), Labcorp
Classification: Benign. Last evaluated: 2025-12-13. Review status: criteria provided, single submitter. Criteria: Invitae Variant Classification Sherloc (09022015). Collection method: clinical testing. Allele origin: germline.

CeGaT Center for Human Genetics Tuebingen
Classification: Benign. Last evaluated: 2023-02-01. Review status: criteria provided, single submitter. Criteria: CeGaT Center For Human Genetics Tuebingen Variant Classification Criteria Version 2. Collection method: clinical testing. Allele origin: germline. Affected: yes. Observed: 2 variant alleles.
Comment: TRRAP: PP3, BS1, BS2